The following is an entry in ClinVar:

ClinVar aggregate classification (germline): Likely benign (0 of 4 stars; one submission).

Conditions:
PLXNA4-related disorder. Also called: PLXNA4-related condition.

Allele frequency attached by ClinVar (database versions not stated): TOPMed 0.00004; gnomAD 0.00005; gnomAD exomes 0.00015; 1000 Genomes Project 30x 0.00016; 1000 Genomes Project 0.00020; ExAC 0.00026.
gnomAD v4.1: 236 of 1,614,170 alleles (0.015%); highest among the groups gnomAD compares: South Asian, 0.17%; no homozygotes.

Submission:

PreventionGenetics, part of Exact Sciences
Classification: Likely benign for PLXNA4-related condition. Last evaluated: 2022-12-15. Review status: no assertion criteria provided. Collection method: clinical testing. Allele origin: germline.
Comment: This variant is classified as likely benign based on ACMG/AMP sequence variant interpretation guidelines (Richards et al. 2015 PMID: 25741868, with internal and published modifications).

NM_020911.2(PLXNA4):c.3372C>T (p.Asn1124=)

Gene: PLXNA4 (plexin A4; minus strand). Cytogenetic location: 7q32.3.
Variant type: single nucleotide variant.
Coding change: c.3372C>T on transcript NM_020911.2 (MANE Select); coding-DNA position 3372, C replaced by T.
Protein change: p.Asn1124=; no amino-acid change (asparagine 1124 retained).
Molecular consequence: synonymous variant.
Genome position (GRCh38, 1-based): chr7:132,181,501, G>A on the plus strand (C>T on the coding strand, the complement: PLXNA4 is on the minus strand). VCF-style: chr7-132181501-G-A. GRCh37 (hg19) VCF-style: chr7-131866260-G-A.
Other names: c.3372C>T, p.Asn1124= (NM_001393897.1).
Identifiers: ClinVar variation 3051403 (VCV003051403.2), dbSNP rs560102032, ClinGen allele CA4489511.